The following is an entry in ClinVar:

ClinVar aggregate classification (germline): Likely benign. Review status: criteria provided, multiple submitters, no conflicts (2 of 4 stars). 3 submissions from 3 submitters: Likely benign (3). Last evaluated 2026-06-12.

Conditions:
Glycogen storage disease due to phosphoglycerate kinase 1 deficiency. Also called: PHOSPHOGLYCERATE KINASE 1 DEFICIENCY WITH LEVO-DOPA-RESPONSIVE PARKINSONISM; PGK1 DEFICIENCY. Identifiers: Orphanet 713, MedGen C1970848, MONDO:0010392, OMIM 300653.

Allele frequency attached by ClinVar (database versions not stated): gnomAD exomes 0.00002; TOPMed 0.00003; ExAC 0.00003; gnomAD 0.00004; ESP Exome Variant Server 0.00019.
gnomAD v4.1: 8 of 1,134,869 alleles (0.0007%); highest among the groups gnomAD compares: Admixed American, 0.0022%; no homozygotes.

Submissions (3):

Women's Health and Genetics/Laboratory Corporation of America, LabCorp
Classification: Likely benign. Last evaluated: 2026-06-12. Review status: criteria provided, single submitter. Criteria: LabCorp Variant Classification Summary - May 2015. Collection method: clinical testing. Allele origin: germline.
Comment: Variant summary: PGK1 c.116+8C>T alters a non-conserved nucleotide located at a position not widely known to affect splicing. Consensus agreement among computation tools predict no significant impact on normal splicing. However, these predictions have yet to be confirmed by functional studies. The variant allele was found at a frequency of 2.2e-05 in 183471 control chromosomes. The available data on variant occurrences in the general population are insufficient to allow any conclusion about variant significance. To our knowledge, no occurrence of c.116+8C>T in individuals affected with PGK1-related conditions and no experimental evidence demonstrating its impact on protein function have been reported. ClinVar contains an entry for this variant (Variation ID: 1660405). Based on the evidence outlined above, the variant was classified as likely benign.

Labcorp Genetics (formerly Invitae), Labcorp
Classification: Likely benign. Last evaluated: 2025-06-20. Review status: criteria provided, single submitter. Criteria: Invitae Variant Classification Sherloc (09022015). Collection method: clinical testing. Allele origin: germline.

Fulgent Genetics
Classification: Likely benign for Glycogen storage disease due to phosphoglycerate kinase 1 deficiency. Last evaluated: 2021-10-15. Review status: criteria provided, single submitter. Criteria: ACMG Guidelines, 2015. Collection method: clinical testing. Allele origin: unknown.

NM_000291.4(PGK1):c.116+8C>T

Gene: PGK1 (phosphoglycerate kinase 1; plus strand). Cytogenetic location: Xq21.1.
Variant type: single nucleotide variant.
Coding change: c.116+8C>T on transcript NM_000291.4 (MANE Select); 8 bases into the intron after coding-DNA position 116, C replaced by T.
Molecular consequence: intron variant.
Genome position (GRCh38, 1-based): chrX:78,109,925, C>T. VCF-style: chrX-78109925-C-T. GRCh37 (hg19) VCF-style: chrX-77365422-C-T.
Identifiers: ClinVar variation 1660405 (VCV001660405.10), dbSNP rs369581587, ClinGen allele CA10459606.
Genomic context (GRCh38, chrX:78,109,925, plus strand): 5'-AGAGTCGACTTCAATGTTCCTATGAAGAACAACCAGATAACAAACAACCAGAGGTAAGGT[C>T]CCTGCTAATCCTTGGGCTGGGTTTAAGATGTGTGTAGGTACACAGGATGAAATGTTTTTC-3'